The following is an entry in ClinVar:

NM_003322.6(TULP1):c.719-1G>T

Gene: TULP1 (TUB like protein 1; minus strand). Cytogenetic location: 6p21.31.
Variant type: single nucleotide variant.
Coding change: c.719-1G>T on transcript NM_003322.6 (MANE Select); the canonical splice acceptor site of the intron before coding-DNA position 719, G replaced by T.
Molecular consequence: splice acceptor variant.
Genome position (GRCh38, 1-based): chr6:35,509,313, C>A on the plus strand (G>T on the coding strand, the complement: TULP1 is on the minus strand). VCF-style: chr6-35509313-C-A. GRCh37 (hg19) VCF-style: chr6-35477090-C-A.
Other names: c.560-1G>T (NM_001289395.2).
Identifiers: ClinVar variation 2831848 (VCV002831848.3), dbSNP rs1283307773, ClinGen allele CA363781536.
Genomic context (GRCh38, chr6:35,509,313, plus strand): 5'-TTATCACCGTAGCTGCCTCCTCCTCCTCTTCTTCCTCCTTCCTCGCGCCTTTGGGAGTGC[C>A]TGAGCGTGGAGGGGGAAACAAGGCTGTGAACTCCTCACCCTGGTTTGCAAAGTGCTTCCA-3'

ClinVar aggregate classification (germline): Likely pathogenic (1 of 4 stars; one submission).

Submission:

Labcorp Genetics (formerly Invitae), Labcorp
Classification: Likely pathogenic. Last evaluated: 2023-05-19. Review status: criteria provided, single submitter. Criteria: Invitae Variant Classification Sherloc (09022015). Collection method: clinical testing. Allele origin: germline.
Comment: In summary, the currently available evidence indicates that the variant is pathogenic, but additional data are needed to prove that conclusively. Therefore, this variant has been classified as Likely Pathogenic. Algorithms developed to predict the effect of sequence changes on RNA splicing suggest that this variant may disrupt the consensus splice site. This variant has not been reported in the literature in individuals affected with TULP1-related conditions. This variant is not present in population databases (gnomAD no frequency). This sequence change affects an acceptor splice site in intron 7 of the TULP1 gene. It is expected to disrupt RNA splicing. Variants that disrupt the donor or acceptor splice site typically lead to a loss of protein function (PMID: 16199547), and loss-of-function variants in TULP1 are known to be pathogenic (PMID: 8606774, 10549638, 15024725, 18055821).

Literature cited by the submitters: PubMed 16199547; PubMed 8606774; PubMed 10549638; PubMed 15024725; PubMed 18055821.